The following is an entry in ClinVar:

ClinVar aggregate classification (germline): Uncertain significance. Review status: criteria provided, multiple submitters, no conflicts (2 of 4 stars). 3 submissions from 3 submitters: Uncertain significance (3). Last evaluated 2025-12-18.

Conditions:
Creatine transporter deficiency (CCDS1). Also called: CEREBRAL CREATINE DEFICIENCY SYNDROME 1; Mental retardation , X-linked with seizures, short stature and midface hypoplasia; Mental retardation , X-linked, with creatine transport deficiency; X-linked creatine transporter deficiency; X-linked creatine deficiency syndrome; SLC6A8-Related Creatine Transporter Deficiency. Identifiers: Orphanet 52503, MedGen C1845862, MONDO:0010305, OMIM 300352.

Submissions (3):

Department of Molecular Genetics, Istishari Arab Hospital
Classification: Uncertain significance for Creatine transporter deficiency. Last evaluated: 2025-12-18. Review status: criteria provided, single submitter. Criteria: ACMG Guidelines, 2015. Collection method: clinical testing. Allele origin: germline. Inheritance: X-linked inheritance. Affected: yes.
Comment: The SLC6A8 variant c.1853C>T, p.Thr618Ile creates a change in the amino acid from Thr to Ile at position 618. This variant is observed with very low frequency (<0.001) in the gnomAD v4.1.0 dataset and has not been previously described in the literature. It is classified as a variant of uncertain significance based on the recommendations of ACMG/AMP/ClinGen SVI guidelines

Labcorp Genetics (formerly Invitae), Labcorp
Classification: Uncertain significance for Creatine transporter deficiency. Last evaluated: 2023-09-10. Review status: criteria provided, single submitter. Criteria: Invitae Variant Classification Sherloc (09022015). Collection method: clinical testing. Allele origin: germline.
Comment: This sequence change replaces threonine, which is neutral and polar, with isoleucine, which is neutral and non-polar, at codon 618 of the SLC6A8 protein (p.Thr618Ile). This variant is not present in population databases (gnomAD no frequency). This variant has not been reported in the literature in individuals affected with SLC6A8-related conditions. ClinVar contains an entry for this variant (Variation ID: 872504). Advanced modeling of protein sequence and biophysical properties (such as structural, functional, and spatial information, amino acid conservation, physicochemical variation, residue mobility, and thermodynamic stability) performed at Invitae indicates that this missense variant is not expected to disrupt SLC6A8 protein function. In summary, the available evidence is currently insufficient to determine the role of this variant in disease. Therefore, it has been classified as a Variant of Uncertain Significance.

CeGaT Center for Human Genetics Tuebingen
Classification: Uncertain significance. Last evaluated: 2020-02-01. Review status: criteria provided, single submitter. Criteria: CeGaT Center For Human Genetics Tuebingen Variant Classification Criteria Version 2. Collection method: clinical testing. Allele origin: germline. Affected: yes. Observed: 1 variant allele.

NM_005629.4(SLC6A8):c.1853C>T (p.Thr618Ile)

Gene: SLC6A8 (solute carrier family 6 member 8; plus strand). Cytogenetic location: Xq28.
Variant type: single nucleotide variant.
Coding change: c.1853C>T on transcript NM_005629.4 (MANE Select); coding-DNA position 1853, C replaced by T.
Protein change: p.Thr618Ile; replaces threonine 618 with isoleucine.
Molecular consequence: missense variant.
Genome position (GRCh38, 1-based): chrX:153,695,159, C>T. VCF-style: chrX-153695159-C-T. GRCh37 (hg19) VCF-style: chrX-152960614-C-T.
Other names: p.Thr618Ile; c.1823C>T, p.Thr608Ile (NM_001142805.2); c.1508C>T, p.Thr503Ile (NM_001142806.1); short protein forms T503I, T608I, T618I.
Identifiers: ClinVar variation 872504 (VCV000872504.45), dbSNP rs1557045853, ClinGen allele CA415091232.